The following is an entry in ClinVar:

ClinVar aggregate classification (germline): Uncertain significance (1 of 4 stars; one submission).

Conditions:
Cardiomyopathy (CMYO). Also called: Cardiomyopathies. Identifiers: Orphanet 167848, MedGen C0878544, MONDO:0004994, HP:0001638. Inheritance: Various modes of inheritance.

Allele frequency attached by ClinVar (database versions not stated): gnomAD exomes below 0.00001.
gnomAD v4.1: 2 of 1,614,010 alleles (0.00012%); highest among the groups gnomAD compares: Non-Finnish European, 0.00017%; no homozygotes.

Submission:

Color Diagnostics, LLC DBA Color Health
Classification: Uncertain significance for Cardiomyopathy. Last evaluated: 2019-08-22. Review status: criteria provided, single submitter. Criteria: ACMG Guidelines, 2015. Collection method: clinical testing. Allele origin: germline.
Comment: This missense variant replaces asparagine with threonine at codon 1504 of the MYH7 protein. Computational prediction tools and conservation analyses suggest that this variant may have deleterious impact on protein structure and function. Splice site prediction tools suggest that this variant may not impact RNA splicing. To our knowledge, functional studies have not been performed for this variant. This variant has not been reported in individuals affected with cardiovascular disorders in the literature. This variant has not been identified in the general population by the Genome Aggregation Database (gnomAD). The available evidence is insufficient to determine the role of this variant in disease conclusively. Therefore, this variant is classified as a Variant of Uncertain Significance.

NM_000257.4(MYH7):c.4511A>C (p.Asn1504Thr)

Genes: MHRT (myosin heavy chain associated RNA transcript; plus strand), MYH7 (myosin heavy chain 7; minus strand). Cytogenetic location: 14q11.2.
Variant type: single nucleotide variant.
Coding change: c.4511A>C on transcript NM_000257.4 (MANE Select); coding-DNA position 4511, A replaced by C.
Protein change: p.Asn1504Thr; replaces asparagine 1504 with threonine.
Molecular consequence: missense variant.
Genome position (GRCh38, 1-based): chr14:23,417,161, T>G on the plus strand (A>C on the coding strand, the complement: MYH7 is on the minus strand). VCF-style: chr14-23417161-T-G. GRCh37 (hg19) VCF-style: chr14-23886370-T-G.
Other names: short protein forms N1504T.
Identifiers: ClinVar variation 926921 (VCV000926921.3), dbSNP rs1892250074, ClinGen allele CA389038257.